The following is an entry in ClinVar:

NM_000179.3(MSH6):c.3517G>T (p.Val1173Leu)

Gene: MSH6 (mutS homolog 6; plus strand). Cytogenetic location: 2p16.3.
Variant type: single nucleotide variant.
Coding change: c.3517G>T on transcript NM_000179.3 (MANE Select); coding-DNA position 3517, G replaced by T.
Protein change: p.Val1173Leu; replaces valine 1173 with leucine.
Molecular consequence: missense variant. On other transcripts: non-coding transcript variant (4).
Genome position (GRCh38, 1-based): chr2:47,804,988, G>T. VCF-style: chr2-47804988-G-T. GRCh37 (hg19) VCF-style: chr2-48032127-G-T.
Other names: c.3517G>T, p.Val1173Leu (NM_001406796.1, NM_001406800.1, NM_001406808.1 and 1 more transcripts); c.3220G>T, p.Val1074Leu (NM_001406797.1, NM_001406801.1, NM_001406805.1 and 10 more transcripts); c.3343G>T, p.Val1115Leu (NM_001406798.1); c.2992G>T, p.Val998Leu (NM_001406799.1, NM_001406806.1, NM_001406807.1); c.3613G>T, p.Val1205Leu (NM_001406802.1, NM_001406795.1); c.2653G>T, p.Val885Leu (NM_001406803.1); c.3439G>T, p.Val1147Leu (NM_001406804.1); c.3127G>T, p.Val1043Leu (NM_001281492.2); and 7 more; short protein forms V100L, V1043L, V1074L, V1115L, V1117L, V1147L, V1173L, V1175L.
Identifiers: ClinVar variation 4860417 (VCV004860417.1).

ClinVar aggregate classification (germline): Uncertain significance (1 of 4 stars; one submission).

Conditions:
Hereditary cancer-predisposing syndrome. Also called: Neoplastic Syndromes, Hereditary; Tumor predisposition; Hereditary Cancer Syndrome; Hereditary neoplastic syndrome. Identifiers: Orphanet 140162, MedGen C0027672, MeSH D009386, MONDO:0015356.

Submission:

Ambry Genetics
Classification: Uncertain significance for Hereditary cancer-predisposing syndrome. Last evaluated: 2026-05-15. Review status: criteria provided, single submitter. Criteria: Ambry Variant Classification Scheme 2023. Collection method: clinical testing. Allele origin: germline.
Comment: The p.V1173L variant (also known as c.3517G>T), located in coding exon 6 of the MSH6 gene, results from a G to T substitution at nucleotide position 3517. The valine at codon 1173 is replaced by leucine, an amino acid with highly similar properties. This amino acid position is highly conserved in available vertebrate species. In addition, the in silico prediction for this alteration is inconclusive. Based on the available evidence, the clinical significance of this variant remains unclear.